The following is an entry in ClinVar:

ClinVar aggregate classification (germline): Uncertain significance (1 of 4 stars; one submission).

gnomAD v4.1: 3 of 1,590,080 alleles (0.00019%); highest among the groups gnomAD compares: South Asian, 0.0023%; no homozygotes.

Submission:

GeneDx
Classification: Uncertain significance. Last evaluated: 2025-07-18. Review status: criteria provided, single submitter. Criteria: GeneDx Variant Classification Process June 2021. Collection method: clinical testing. Allele origin: germline. Affected: yes.
Comment: Not observed at significant frequency in large population cohorts (gnomAD); In silico analysis supports a deleterious effect on splicing; Has not been previously published as pathogenic or benign to our knowledge

NM_017672.6(TRPM7):c.4557G>A (p.Pro1519=)

Gene: TRPM7 (transient receptor potential cation channel subfamily M member 7; minus strand). Cytogenetic location: 15q21.2.
Variant type: single nucleotide variant.
Coding change: c.4557G>A on transcript NM_017672.6 (MANE Select); coding-DNA position 4557, G replaced by A.
Protein change: p.Pro1519=; no amino-acid change (proline 1519 retained).
Molecular consequence: synonymous variant. On other transcripts: non-coding transcript variant (3).
Genome position (GRCh38, 1-based): chr15:50,583,089, C>T on the plus strand (G>A on the coding strand, the complement: TRPM7 is on the minus strand). VCF-style: chr15-50583089-C-T. GRCh37 (hg19) VCF-style: chr15-50875286-C-T.
Other names: c.4554G>A, p.Pro1518= (NM_001301212.2).
Identifiers: ClinVar variation 4689854 (VCV004689854.1).
Genomic context (GRCh38, chr15:50,583,089, plus strand): 5'-TTATCTAAAAAAGTTTAATGTATTTAATAATATATATCTGTTTAGTTGAAATCTACAAAC[C>T]GGTATTAAAGCTGCTTTGGAATCTACTTCATGAGTGTCTTCGGTAGATGGCCTTCTACTG-3'
Protein context (NP_060142.3, residues 1509-1529): HEVDSKAALI[Pro1519=]DWLQDRPSNR